The following is an entry in ClinVar:

ClinVar aggregate classification (germline): Uncertain significance. Review status: criteria provided, multiple submitters, no conflicts (2 of 4 stars). 3 submissions from 3 submitters: Uncertain significance (2). 1 of the submissions does not count toward it. Last evaluated 2026-01-21.

Conditions:
ZNF423-related disorder. Also called: ZNF423-related condition.
Nephronophthisis 14 (NPHP14). Identifiers: Orphanet 2318, MedGen C3539071, MONDO:0013916, OMIM 614844.

Allele frequency attached by ClinVar (database versions not stated): gnomAD exomes below 0.00001; TOPMed 0.00001.
gnomAD v4.1: 2 of 1,614,090 alleles (0.00012%); highest among the groups gnomAD compares: Admixed American, 0.0033%; no homozygotes.

Submissions (3):

Labcorp Genetics (formerly Invitae), Labcorp
Classification: Uncertain significance for Nephronophthisis 14. Last evaluated: 2026-01-21. Review status: criteria provided, single submitter. Criteria: Invitae Variant Classification Sherloc (09022015). Collection method: clinical testing. Allele origin: germline.
Comment: This sequence change replaces histidine, which is basic and polar, with tyrosine, which is neutral and polar, at codon 771 of the ZNF423 protein (p.His771Tyr). This variant is present in population databases (no rsID available, gnomAD 0.006%). This variant has not been reported in the literature in individuals affected with ZNF423-related conditions. ClinVar contains an entry for this variant (Variation ID: 2195829). Invitae Evidence Modeling of protein sequence and biophysical properties (such as structural, functional, and spatial information, amino acid conservation, physicochemical variation, residue mobility, and thermodynamic stability) indicates that this missense variant is not expected to disrupt ZNF423 protein function with a negative predictive value of 80%. In summary, the available evidence is currently insufficient to determine the role of this variant in disease. Therefore, it has been classified as a Variant of Uncertain Significance.

Ambry Genetics
Classification: Uncertain significance. Last evaluated: 2025-03-22. Review status: criteria provided, single submitter. Criteria: Ambry Variant Classification Scheme 2023. Collection method: clinical testing. Allele origin: germline.

PreventionGenetics, part of Exact Sciences
Classification: Uncertain significance for ZNF423-related condition. Last evaluated: 2024-05-15. Review status: no assertion criteria provided. Collection method: clinical testing. Allele origin: germline. Not counted in ClinVar's aggregate classification.
Comment: The ZNF423 c.2311C>T variant is predicted to result in the amino acid substitution p.His771Tyr. To our knowledge, this variant has not been reported in the literature. This variant is reported in 0.0058% of alleles in individuals of Latino descent in gnomAD. At this time, the clinical significance of this variant is uncertain due to the absence of conclusive functional and genetic evidence.

NM_001379286.1(ZNF423):c.2335C>T (p.His779Tyr)

Gene: ZNF423 (zinc finger protein 423; minus strand). Cytogenetic location: 16q12.1.
Variant type: single nucleotide variant.
Coding change: c.2335C>T on transcript NM_001379286.1 (MANE Select); coding-DNA position 2335, C replaced by T.
Protein change: p.His779Tyr; replaces histidine 779 with tyrosine.
Molecular consequence: missense variant.
Genome position (GRCh38, 1-based): chr16:49,636,841, G>A on the plus strand (C>T on the coding strand, the complement: ZNF423 is on the minus strand). VCF-style: chr16-49636841-G-A. GRCh37 (hg19) VCF-style: chr16-49670752-G-A.
Other names: c.2311C>T (NM_015069.4, NM_015069.2); c.2131C>T, p.His711Tyr (NM_001271620.2); c.1960C>T, p.His654Tyr (NM_001330533.2); c.2311C>T, p.His771Tyr (NM_015069.5); short protein forms H779Y, H711Y, H654Y, H771Y.
Identifiers: ClinVar variation 2195829 (VCV002195829.4), dbSNP rs1426138385, ClinGen allele CA395843245.